The following is an entry in ClinVar:

NM_006904.7(PRKDC):c.2921G>A (p.Cys974Tyr)

Gene: PRKDC (protein kinase, DNA-activated, catalytic subunit; minus strand). Cytogenetic location: 8q11.21.
Variant type: single nucleotide variant.
Coding change: c.2921G>A on transcript NM_006904.7 (MANE Select); coding-DNA position 2921, G replaced by A.
Protein change: p.Cys974Tyr; replaces cysteine 974 with tyrosine.
Molecular consequence: missense variant.
Genome position (GRCh38, 1-based): chr8:47,912,423, C>T on the plus strand (G>A on the coding strand, the complement: PRKDC is on the minus strand). VCF-style: chr8-47912423-C-T. GRCh37 (hg19) VCF-style: chr8-48824983-C-T.
Other names: c.2921G>A, p.Cys974Tyr (NM_001081640.2); short protein forms C974Y.
Identifiers: ClinVar variation 1797720 (VCV001797720.2), dbSNP rs2551876639, ClinGen allele CA371158634.
Genomic context (GRCh38, chr8:47,912,423, plus strand): 5'-CCAAACTTTTAGAAATTTTACAACTATTTCAGATTCAAAGCCCTTACCTGATCAACATCA[C>T]ACGCAAGTCGAAGCAGCACAGGAAACGTCCGCTTATAGAGCTGGTACATGGGTGGGGCTC-3'
Protein context (NP_008835.5, residues 964-984): RTFPVLLRLA[Cys974Tyr]DVDQVTRQLY

ClinVar aggregate classification (germline): Uncertain significance (1 of 4 stars; one submission).

Submission:

Ambry Genetics
Classification: Uncertain significance. Last evaluated: 2021-06-30. Review status: criteria provided, single submitter. Criteria: Ambry Variant Classification Scheme 2023. Collection method: clinical testing. Allele origin: germline.
Comment: The p.C974Y variant (also known as c.2921G>A), located in coding exon 25 of the PRKDC gene, results from a G to A substitution at nucleotide position 2921. The cysteine at codon 974 is replaced by tyrosine, an amino acid with highly dissimilar properties. This amino acid position is conserved. In addition, this alteration is predicted to be deleterious by in silico analysis. Since supporting evidence is limited at this time, the clinical significance of this alteration remains unclear.